The following is an entry in ClinVar:

NM_000548.5(TSC2):c.1633C>T (p.Leu545=)

Gene: TSC2 (TSC complex subunit 2; plus strand). Cytogenetic location: 16p13.3.
Variant type: single nucleotide variant.
Coding change: c.1633C>T on transcript NM_000548.5 (MANE Select); coding-DNA position 1633, C replaced by T.
Protein change: p.Leu545=; no amino-acid change (leucine 545 retained).
Molecular consequence: synonymous variant.
Genome position (GRCh38, 1-based): chr16:2,065,552, C>T. VCF-style: chr16-2065552-C-T. GRCh37 (hg19) VCF-style: chr16-2115553-C-T.
Other names: c.1633C>T, p.Leu545= (NM_001077183.3, NM_001114382.3, NM_001363528.2 and 3 more transcripts); c.1522C>T, p.Leu508= (NM_001318827.2); c.1486C>T, p.Leu496= (NM_001318829.2); c.1033C>T, p.Leu345= (NM_001318831.2); c.1666C>T, p.Leu556= (NM_001318832.2).
Identifiers: ClinVar variation 413690 (VCV000413690.15), dbSNP rs1060504103, ClinGen allele CA16615047.

ClinVar aggregate classification (germline): Benign/Likely benign. Review status: criteria provided, multiple submitters, no conflicts (2 of 4 stars). 4 submissions from 4 submitters: Benign (1); Likely benign (3). Last evaluated 2025-05-15.

Conditions:
Tuberous sclerosis syndrome (TSC). Also called: Tuberous Sclerosis Complex; Tuberous sclerosis. Identifiers: Orphanet 805, MedGen C0041341, MONDO:0001734.
Hereditary cancer-predisposing syndrome. Also called: Tumor predisposition; Neoplastic Syndromes, Hereditary; Hereditary Cancer Syndrome; Hereditary neoplastic syndrome. Identifiers: Orphanet 140162, MedGen C0027672, MeSH D009386, MONDO:0015356.
Tuberous sclerosis 2 (TSC2). Identifiers: Orphanet 805, MedGen C1860707, MONDO:0013199, OMIM 613254.

Submissions (4):

Myriad Genetics, Inc.
Classification: Benign for Tuberous sclerosis 2. Last evaluated: 2025-05-15. Review status: criteria provided, single submitter. Criteria: Myriad Autosomal Dominant, Autosomal Recessive and X-Linked Classification Criteria (2023). Collection method: clinical testing. Allele origin: unknown.
Comment: This variant is considered benign. This variant is a silent/synonymous amino acid change and it is not expected to impact splicing.

Labcorp Genetics (formerly Invitae), Labcorp
Classification: Likely benign for Tuberous sclerosis 2. Last evaluated: 2025-04-16. Review status: criteria provided, single submitter. Criteria: Invitae Variant Classification Sherloc (09022015). Collection method: clinical testing. Allele origin: germline.

All of Us Research Program, National Institutes of Health
Classification: Likely benign for Tuberous sclerosis syndrome. Last evaluated: 2023-11-20. Review status: criteria provided, single submitter. Criteria: ACMG Guidelines, 2015. Collection method: clinical testing. Allele origin: germline. Inheritance: Autosomal dominant inheritance. Observed: 1 variant allele, 1 heterozygote.
Comment: This study involves interpretation of variants in research participants for the purpose of population health screening. Participant phenotype was not available at the time of variant classification. Additional details can be found in publication PMID: 35346344, PMCID: PMC8962531

Ambry Genetics
Classification: Likely benign for Hereditary cancer-predisposing syndrome. Last evaluated: 2023-02-15. Review status: criteria provided, single submitter. Criteria: Ambry Variant Classification Scheme 2023. Collection method: clinical testing. Allele origin: germline.